The following is an entry in ClinVar:

ClinVar aggregate classification (germline): Pathogenic. Review status: criteria provided, multiple submitters, no conflicts (2 of 4 stars). 5 submissions from 5 submitters: Pathogenic (4). 1 of the submissions does not count toward it. Last evaluated 2026-02-01.

Conditions:
MPDZ-related disorder. Also called: MPDZ-related condition.
Hydrocephalus, nonsyndromic, autosomal recessive 2. Also called: Hydrocephalus, congenital, 2, with or without brain or eye anomalies. Identifiers: Orphanet 2185, MedGen C3554691, MONDO:0014085, OMIM 615219.

Allele frequency attached by ClinVar (database versions not stated): gnomAD exomes 0.00003 and 0.00007; ExAC 0.00005; TOPMed 0.00008; gnomAD 0.00009 and 0.00011; ESP Exome Variant Server 0.00016.
gnomAD v4.1: 120 of 1,613,314 alleles (0.0074%); highest among the groups gnomAD compares: African/African-American, 0.011%; no homozygotes.

Submissions (5):

GeneDx
Classification: Pathogenic. Last evaluated: 2026-02-01. Review status: criteria provided, single submitter. Criteria: GeneDx Variant Classification Process June 2021. Collection method: clinical testing. Allele origin: germline.
Comment: Nonsense variant predicted to result in protein truncation or nonsense mediated decay in a gene for which loss of function is a known mechanism of disease; This variant is associated with the following publications: (PMID: 28556411)

PreventionGenetics, part of Exact Sciences
Classification: Pathogenic for MPDZ-related condition. Last evaluated: 2025-12-04. Review status: criteria provided, single submitter. Criteria: ACMG Guidelines, 2015. Collection method: clinical testing. Allele origin: germline.
Comment: The MPDZ c.3211C>T variant is predicted to result in premature protein termination (p.Arg1071*). This variant has been reported in the compound heterozygous state in an individual with multiple congenital anomalies including foveal dysplasia, portal vein thrombosis, lung hypoplasia, aberrant subclavian artery, malrotation of the gut, and sensorineural hearing loss (Shaheen et al. 2017. PubMed ID: 28556411). This variant is reported in 0.012% of alleles in individuals of African descent in gnomAD and is interpreted as pathogenic in ClinVar (Variation ID: 548149). Nonsense variants in MPDZ are expected to be pathogenic. This variant is interpreted as pathogenic.

Labcorp Genetics (formerly Invitae), Labcorp
Classification: Pathogenic. Last evaluated: 2025-10-01. Review status: criteria provided, single submitter. Criteria: Invitae Variant Classification Sherloc (09022015). Collection method: clinical testing. Allele origin: germline.
Comment: This sequence change creates a premature translational stop signal (p.Arg1071*) in the MPDZ gene. It is expected to result in an absent or disrupted protein product. Loss-of-function variants in MPDZ are known to be pathogenic (PMID: 23240096, 28556411). This variant is present in population databases (rs376078512, gnomAD 0.01%). This premature translational stop signal has been observed in individual(s) with MPDZ-related conditions (PMID: 28556411). ClinVar contains an entry for this variant (Variation ID: 548149). For these reasons, this variant has been classified as Pathogenic.

Women's Health and Genetics/Laboratory Corporation of America, LabCorp
Classification: Pathogenic for Hydrocephalus, nonsyndromic, autosomal recessive 2. Last evaluated: 2024-10-10. Review status: criteria provided, single submitter. Criteria: LabCorp Variant Classification Summary - May 2015. Collection method: clinical testing. Allele origin: germline.
Comment: Variant summary: MPDZ c.3211C>T (p.Arg1071X) results in a premature termination codon, predicted to cause absence of the protein due to nonsense mediated decay, which is a commonly known mechanism for disease. The variant allele was found at a frequency of 2.8e-05 in 248792 control chromosomes (gnomAD). c.3211C>T has been reported in the literature in an individual affected with Hydrocephalus, foveal dysplasia, pulmonary abnormalities, and sensorineural hearing loss (Shaheen_2017). The following publication has been ascertained in the context of this evaluation (PMID: 28556411). ClinVar contains an entry for this variant (Variation ID: 548149). Based on the evidence outlined above, the variant was classified as pathogenic.

OMIM
Classification: Pathogenic for HYDROCEPHALUS, CONGENITAL, 2, WITH BRAIN AND EYE ANOMALIES. Last evaluated: 2018-07-10. Review status: no assertion criteria provided. Collection method: literature only. Allele origin: germline. Not counted in ClinVar's aggregate classification.

Literature cited by the submitters: PubMed 23240096 (cited by Labcorp Genetics (formerly Invitae), Labcorp); PubMed 28556411 (cited by 3 submitters).

NM_001378778.1(MPDZ):c.3211C>T (p.Arg1071Ter)

Gene: MPDZ (multiple PDZ domain crumbs cell polarity complex component; minus strand). Cytogenetic location: 9p23.
Variant type: single nucleotide variant.
Coding change: c.3211C>T on transcript NM_001378778.1 (MANE Select); coding-DNA position 3211, C replaced by T.
Protein change: p.Arg1071Ter; replaces arginine 1071 with a stop codon.
Molecular consequence: nonsense.
Genome position (GRCh38, 1-based): chr9:13,168,409, G>A on the plus strand (C>T on the coding strand, the complement: MPDZ is on the minus strand). VCF-style: chr9-13168409-G-A. GRCh37 (hg19) VCF-style: chr9-13168408-G-A.
Other names: c.3211C>T (NM_003829.4); c.3211C>T, p.Arg1071Ter (NM_001261406.2, NM_001261407.2, NM_001330637.2 and 14 more transcripts); short protein forms R1071*.
Identifiers: ClinVar variation 548149 (VCV000548149.10), dbSNP rs376078512, ClinGen allele CA4987225.